The following is an entry in ClinVar:

NM_145290.4(ADGRA3):c.3108A>C (p.Leu1036Phe)

Gene: ADGRA3 (adhesion G protein-coupled receptor A3; minus strand). Cytogenetic location: 4p15.2.
Variant type: single nucleotide variant.
Coding change: c.3108A>C on transcript NM_145290.4 (MANE Select); coding-DNA position 3108, A replaced by C.
Protein change: p.Leu1036Phe; replaces leucine 1036 with phenylalanine.
Molecular consequence: missense variant.
Genome position (GRCh38, 1-based): chr4:22,388,563, T>G on the plus strand (A>C on the coding strand, the complement: ADGRA3 is on the minus strand). VCF-style: chr4-22388563-T-G. GRCh37 (hg19) VCF-style: chr4-22390186-T-G.
Other names: c.3108A>C (NM_145290.2); short protein forms L1036F.
Identifiers: ClinVar variation 1469385 (VCV001469385.7), dbSNP rs372047016, ClinGen allele CA2873443.

ClinVar aggregate classification (germline): Uncertain significance. Review status: criteria provided, multiple submitters, no conflicts (2 of 4 stars). 2 submissions from 2 submitters: Uncertain significance (2). Last evaluated 2025-06-24.

Allele frequency attached by ClinVar (database versions not stated): TOPMed below 0.00001; ExAC 0.00001; gnomAD 0.00001; gnomAD exomes 0.00001 and 0.00002; ESP Exome Variant Server 0.00008.
gnomAD v4.1: 29 of 1,613,954 alleles (0.0018%); highest among the groups gnomAD compares: Non-Finnish European, 0.0024%; no homozygotes.

Submissions (2):

Ambry Genetics
Classification: Uncertain significance. Last evaluated: 2025-06-24. Review status: criteria provided, single submitter. Criteria: Ambry Variant Classification Scheme 2023. Collection method: clinical testing. Allele origin: germline.

Labcorp Genetics (formerly Invitae), Labcorp
Classification: Uncertain significance. Last evaluated: 2021-09-05. Review status: criteria provided, single submitter. Criteria: Invitae Variant Classification Sherloc (09022015). Collection method: clinical testing. Allele origin: germline.
Comment: This sequence change replaces leucine with phenylalanine at codon 1036 of the ADGRA3 protein (p.Leu1036Phe). The leucine residue is highly conserved and there is a small physicochemical difference between leucine and phenylalanine. The frequency data for this variant in the population databases is considered unreliable, as metrics indicate poor data quality at this position in the ExAC database. This variant has not been reported in the literature in individuals affected with ADGRA3-related conditions. Algorithms developed to predict the effect of missense changes on protein structure and function are either unavailable or do not agree on the potential impact of this missense change (SIFT: "Tolerated"; PolyPhen-2: "Probably Damaging"; Align-GVGD: "Class C0"). In summary, the available evidence is currently insufficient to determine the role of this variant in disease. Therefore, it has been classified as a Variant of Uncertain Significance.